The following is an entry in ClinVar:

NM_005869.4(CWC27):c.140C>A (p.Ala47Asp)

Gene: CWC27 (CWC27 spliceosome associated cyclophilin; plus strand). Cytogenetic location: 5q12.3.
Variant type: single nucleotide variant.
Coding change: c.140C>A on transcript NM_005869.4 (MANE Select); coding-DNA position 140, C replaced by A.
Protein change: p.Ala47Asp; replaces alanine 47 with aspartic acid.
Molecular consequence: missense variant.
Genome position (GRCh38, 1-based): chr5:64,781,921, C>A. VCF-style: chr5-64781921-C-A. GRCh37 (hg19) VCF-style: chr5-64077748-C-A.
Other names: c.140C>A, p.Ala47Asp (NM_001297644.1, NM_001297645.2, NM_001318000.2 and 1 more transcripts); short protein forms A47D.
Identifiers: ClinVar variation 938876 (VCV000938876.9), dbSNP rs368081814, ClinGen allele CA3281861.

ClinVar aggregate classification (germline): Uncertain significance. Review status: criteria provided, multiple submitters, no conflicts (2 of 4 stars). 3 submissions from 3 submitters: Uncertain significance (3). Last evaluated 2025-12-01.

Conditions:
CWC27-related disorder. Also called: CWC27-related condition.

Allele frequency attached by ClinVar (database versions not stated): gnomAD exomes below 0.00001; TOPMed below 0.00001; ESP Exome Variant Server 0.00008.
gnomAD v4.1: 6 of 1,490,882 alleles (0.0004%); highest among the groups gnomAD compares: Non-Finnish European, 0.00037%; no homozygotes.

Submissions (3):

PreventionGenetics, part of Exact Sciences
Classification: Uncertain significance for CWC27-related condition. Last evaluated: 2025-12-01. Review status: criteria provided, single submitter. Criteria: ACMG Guidelines, 2015. Collection method: clinical testing. Allele origin: germline.
Comment: The CWC27 c.140C>A variant is predicted to result in the amino acid substitution p.Ala47Asp. To our knowledge, this variant has not been reported in the literature. This variant is reported in 0.0035% of alleles in individuals of Latino descent in gnomAD. At this time, the clinical significance of this variant is uncertain due to the absence of conclusive functional and genetic evidence.

Labcorp Genetics (formerly Invitae), Labcorp
Classification: Uncertain significance. Last evaluated: 2022-05-29. Review status: criteria provided, single submitter. Criteria: Invitae Variant Classification Sherloc (09022015). Collection method: clinical testing. Allele origin: germline.
Comment: This sequence change replaces alanine, which is neutral and non-polar, with aspartic acid, which is acidic and polar, at codon 47 of the CWC27 protein (p.Ala47Asp). The frequency data for this variant in the population databases is considered unreliable, as metrics indicate poor data quality at this position in the gnomAD database. This variant has not been reported in the literature in individuals affected with CWC27-related conditions. ClinVar contains an entry for this variant (Variation ID: 938876). Algorithms developed to predict the effect of missense changes on protein structure and function (SIFT, PolyPhen-2, Align-GVGD) all suggest that this variant is likely to be tolerated. In summary, the available evidence is currently insufficient to determine the role of this variant in disease. Therefore, it has been classified as a Variant of Uncertain Significance.

Blueprint Genetics
Classification: Uncertain significance. Last evaluated: 2019-07-23. Review status: criteria provided, single submitter. Criteria: ACMG Guidelines, 2015. Collection method: clinical testing. Allele origin: germline.